The following is an entry in ClinVar:

NM_013275.6(ANKRD11):c.1559C>T (p.Ala520Val)

Gene: ANKRD11 (ankyrin repeat domain containing 11; minus strand). Cytogenetic location: 16q24.3.
Variant type: single nucleotide variant.
Coding change: c.1559C>T on transcript NM_013275.6 (MANE Select); coding-DNA position 1559, C replaced by T.
Protein change: p.Ala520Val; replaces alanine 520 with valine.
Molecular consequence: missense variant.
Genome position (GRCh38, 1-based): chr16:89,284,983, G>A on the plus strand (C>T on the coding strand, the complement: ANKRD11 is on the minus strand). VCF-style: chr16-89284983-G-A. GRCh37 (hg19) VCF-style: chr16-89351391-G-A.
Other names: c.1559C>T, p.Ala520Val (NM_001256182.2, NM_001256183.2); short protein forms A520V.
Identifiers: ClinVar variation 451456 (VCV000451456.2), dbSNP rs1415129056, ClinGen allele CA397164699.

ClinVar aggregate classification (germline): Uncertain significance (1 of 4 stars; one submission).

Allele frequency attached by ClinVar (database versions not stated): gnomAD exomes 0.00001; TOPMed 0.00001.
gnomAD v4.1: 15 of 1,614,070 alleles (0.00093%); highest among the groups gnomAD compares: Non-Finnish European, 0.0013%; no homozygotes.

Submission:

GeneDx
Classification: Uncertain significance. Last evaluated: 2017-08-21. Review status: criteria provided, single submitter. Criteria: GeneDx Variant Classification (06012015). Collection method: clinical testing. Allele origin: germline. Affected: yes.
Comment: The A520V variant has not been published as a pathogenic variant, nor has it been reported as a benign variant to our knowledge. The A520V variant is not observed in large population cohorts (Lek et al., 2016; 1000 Genomes Consortium et al., 2015; Exome Variant Server). This variant is a conservative amino acid substitution, which is not likely to impact secondary protein structure as these residues share similar properties. However, this substitution occurs at a position that is conserved in mammals, and in silico analysis is inconsistent in its predictions as to whether or not the variant is damaging to the protein structure/function.